The following is an entry in ClinVar:

NM_001848.3(COL6A1):c.1576-2A>G

Gene: COL6A1 (collagen type VI alpha 1 chain; plus strand). Cytogenetic location: 21q22.3.
Variant type: single nucleotide variant.
Coding change: c.1576-2A>G on transcript NM_001848.3 (MANE Select); the canonical splice acceptor site of the intron before coding-DNA position 1576, A replaced by G.
Molecular consequence: splice acceptor variant.
Genome position (GRCh38, 1-based): chr21:45,998,396, A>G. VCF-style: chr21-45998396-A-G. GRCh37 (hg19) VCF-style: chr21-47418310-A-G.
Identifiers: ClinVar variation 2705961 (VCV002705961.3), dbSNP rs2526339061, ClinGen allele CA410530188.

ClinVar aggregate classification (germline): Likely pathogenic (1 of 4 stars; one submission).

Conditions:
Bethlem myopathy 1A. Also called: MYOPATHY, BENIGN CONGENITAL, WITH CONTRACTURES; Bethlem myopathy 1; Bethlem Muscular Dystrophy. Identifiers: Orphanet 610, MedGen CN029274, MONDO:0024530, OMIM 158810.

Submission:

Labcorp Genetics (formerly Invitae), Labcorp
Classification: Likely pathogenic for Bethlem myopathy 1A. Last evaluated: 2023-12-31. Review status: criteria provided, single submitter. Criteria: Invitae Variant Classification Sherloc (09022015). Collection method: clinical testing. Allele origin: germline.
Comment: This sequence change affects an acceptor splice site in intron 23 of the COL6A1 gene. It is expected to disrupt RNA splicing. Variants that disrupt the donor or acceptor splice site typically lead to a loss of protein function (PMID: 16199547), and loss-of-function variants in COL6A1 are known to be pathogenic (PMID: 19884007, 20976770). This variant is not present in population databases (gnomAD no frequency). This variant has not been reported in the literature in individuals affected with COL6A1-related conditions. Algorithms developed to predict the effect of sequence changes on RNA splicing suggest that this variant may disrupt the consensus splice site. In summary, the currently available evidence indicates that the variant is pathogenic, but additional data are needed to prove that conclusively. Therefore, this variant has been classified as Likely Pathogenic.

Literature cited by the submitters: PubMed 16199547; PubMed 19884007; PubMed 20976770.